The following is an entry in ClinVar:

NM_004985.5(KRAS):c.331A>G (p.Met111Val)

Gene: KRAS (KRas proto-oncogene, GTPase; minus strand). Cytogenetic location: 12p12.1.
Variant type: single nucleotide variant.
Coding change: c.331A>G on transcript NM_004985.5 (MANE Select); coding-DNA position 331, A replaced by G.
Protein change: p.Met111Val; replaces methionine 111 with valine.
Molecular consequence: missense variant.
Genome position (GRCh38, 1-based): chr12:25,225,733, T>C on the plus strand (A>G on the coding strand, the complement: KRAS is on the minus strand). VCF-style: chr12-25225733-T-C. GRCh37 (hg19) VCF-style: chr12-25378667-T-C.
Other names: c.331A>G, p.Met111Val (NM_001369786.1, NM_001369787.1, NM_033360.4); short protein forms M111V.
Identifiers: ClinVar variation 2909102 (VCV002909102.5), dbSNP rs1951384733, ClinGen allele CA384151529.

ClinVar aggregate classification (germline): Uncertain significance. Review status: criteria provided, multiple submitters, no conflicts (2 of 4 stars). 3 submissions from 3 submitters: Uncertain significance (3). Last evaluated 2025-09-03.

Conditions:
Malignant tumor of urinary bladder. Also called: Bladder cancer; Urinary bladder cancer; Urinary Bladder Neoplasms. Identifiers: MedGen C0005684, MONDO:0001187, OMIM 109800.
Familial cancer of breast. Also called: BREAST CANCER, FAMILIAL; Hereditary breast cancer; hereditary breast carcinoma. Identifiers: Orphanet 227535, MedGen C0346153, MONDO:0016419, OMIM 114480. Disease mechanism: loss of function.
Cardiofaciocutaneous syndrome 2 (CFC2). Also called: KRAS-Related Cardiofaciocutaneous Syndrome. Identifiers: Orphanet 1340, MedGen C3809005, MONDO:0014112, OMIM 615278.
Familial pancreatic carcinoma. Identifiers: Orphanet 1333, MedGen C2931038, MONDO:0015278, OMIM 260350.
Toriello-Lacassie-Droste syndrome. Identifiers: Orphanet 3339, MedGen C1838329, MONDO:0010854, OMIM 600268.
Cerebral arteriovenous malformation (BAVM). Also called: Arteriovenous malformations of the brain; CEREBRAL ARTERIOVENOUS MALFORMATIONS. Identifiers: Orphanet 46724, MedGen C0917804, MONDO:0007154, OMIM 108010, HP:0002408.
Linear nevus sebaceous syndrome. Also called: JADASSOHN NEVUS PHAKOMATOSIS; NEVUS SEBACEUS OF JADASSOHN; ORGANOID NEVUS PHAKOMATOSIS; SFM SYNDROME; Nevus, Sebaceous of Jadassohn; Linear nevus sebaceous. Identifiers: Orphanet 2612, MedGen C4552097, MONDO:0008097, OMIM 163200, HP:0010817.
Acute myeloid leukemia (AML). Also called: Acute myeloid leukemia, adult; AML adult; Acute non-lymphocytic leukemia; Acute granulocytic leukemia; Leukemia, acute myeloid, somatic; Leukemia, acute myelogenous, somatic. Identifiers: Orphanet 519, MedGen C0023467, MeSH D015470, MONDO:0018874, OMIM 601626, HP:0004808. Disease mechanism: Constitutively activated FLT3.
Noonan syndrome 3 (NS3). Also called: KRAS-Related Noonan Syndrome. Identifiers: Orphanet 648, MedGen C1860991, MONDO:0012371, OMIM 609942.
Lung cancer. Also called: Malignant tumor of lung; Lung cancer, somatic. Identifiers: MedGen C0242379, MONDO:0008903, OMIM 211980.
Autoimmune lymphoproliferative syndrome type 4. Also called: AUTOIMMUNE LYMPHOPROLIFERATIVE SYNDROME, TYPE IV; RAS-associated autoimmune leukoproliferative disorder. Identifiers: Orphanet 268114, MedGen C2674723, MONDO:0013767, OMIM 614470.
Gastric cancer. Also called: Malignant tumor of stomach; Stomach cancer. Identifiers: MedGen C0024623, MeSH D013274, MONDO:0001056, OMIM 613659, HP:0012126.
RASopathy. Also called: Noonan spectrum disorder; rasopathies. Identifiers: Orphanet 536391, MedGen C5555857, MONDO:0021060.

Allele frequency attached by ClinVar (database versions not stated): TOPMed below 0.00001.

Submissions (3):

Labcorp Genetics (formerly Invitae), Labcorp
Classification: Uncertain significance for RASopathy. Last evaluated: 2025-09-03. Review status: criteria provided, single submitter. Criteria: Invitae Variant Classification Sherloc (09022015). Collection method: clinical testing. Allele origin: germline.
Comment: This sequence change replaces methionine, which is neutral and non-polar, with valine, which is neutral and non-polar, at codon 111 of the KRAS protein (p.Met111Val). This variant is not present in population databases (gnomAD no frequency). This variant has not been reported in the literature in individuals affected with KRAS-related conditions. ClinVar contains an entry for this variant (Variation ID: 2909102). Invitae Evidence Modeling of protein sequence and biophysical properties (such as structural, functional, and spatial information, amino acid conservation, physicochemical variation, residue mobility, and thermodynamic stability) indicates that this missense variant is expected to disrupt KRAS protein function with a positive predictive value of 95%. In summary, the available evidence is currently insufficient to determine the role of this variant in disease. Therefore, it has been classified as a Variant of Uncertain Significance.

3billion
Classification: Uncertain significance for Noonan syndrome 3. Last evaluated: 2024-10-07. Review status: criteria provided, single submitter. Criteria: ACMG Guidelines, 2015. Collection method: clinical testing. Allele origin: germline. Affected: yes.
Comment: The variant is not observed in the gnomAD v4.1.0 dataset. Predicted Consequence/Location: Missense variant. Missense changes are a common disease-causing mechanism. In silico tool predictions suggest damaging effect of the variant on gene or gene product [3Cnet: 0.99 (>=0.6, sensitivity 0.72 and precision 0.9)]. The variant has been reported as of uncertain significance (ClinVar ID: VCV002909102) Therefore, this variant is classified as VUS according to the recommendation of ACMG/AMP guideline.

Fulgent Genetics
Classification: Uncertain significance for Cerebral arteriovenous malformation; Malignant tumor of urinary bladder; Familial cancer of breast; Linear nevus sebaceous syndrome; Lung cancer; Familial pancreatic carcinoma; Toriello-Lacassie-Droste syndrome; Acute myeloid leukemia; Noonan syndrome 3; Gastric cancer; Autoimmune lymphoproliferative syndrome type 4; Cardiofaciocutaneous syndrome 2. Last evaluated: 2024-02-06. Review status: criteria provided, single submitter. Criteria: ACMG Guidelines, 2015. Collection method: clinical testing. Allele origin: germline.